The following is an entry in ClinVar:

ClinVar aggregate classification (germline): Pathogenic/Likely pathogenic. Review status: criteria provided, multiple submitters, no conflicts (2 of 4 stars). 3 submissions from 3 submitters: Pathogenic (2); Likely pathogenic (1). Last evaluated 2025-12-31.

Conditions:
Fraser syndrome 1 (FRASRS1). Also called: CRYPTOPHTHALMOS WITH OTHER MALFORMATIONS. Identifiers: Orphanet 2052, MedGen C4551480, MONDO:0054737, OMIM 219000.

Submissions (3):

Labcorp Genetics (formerly Invitae), Labcorp
Classification: Pathogenic. Last evaluated: 2025-12-31. Review status: criteria provided, single submitter. Criteria: Invitae Variant Classification Sherloc (09022015). Collection method: clinical testing. Allele origin: germline.
Comment: This sequence change creates a premature translational stop signal (p.Gly644Valfs*53) in the FRAS1 gene. It is expected to result in an absent or disrupted protein product. Loss-of-function variants in FRAS1 are known to be pathogenic (PMID: 12766769, 18671281). This variant is present in population databases (rs794727195, gnomAD 0.0009%). This variant has not been reported in the literature in individuals affected with FRAS1-related conditions. ClinVar contains an entry for this variant (Variation ID: 194789). For these reasons, this variant has been classified as Pathogenic.

Fulgent Genetics
Classification: Likely pathogenic for Fraser syndrome 1. Last evaluated: 2024-01-09. Review status: criteria provided, single submitter. Criteria: ACMG Guidelines, 2015. Collection method: clinical testing. Allele origin: germline.

Eurofins Ntd Llc (ga)
Classification: Pathogenic. Last evaluated: 2015-02-18. Review status: criteria provided, single submitter. Criteria: EGL Classification Definitions 2015. Collection method: clinical testing. Allele origin: germline. Observed: 2 variant alleles, 2 heterozygotes.

Literature cited by the submitters: PubMed 12766769 (cited by Labcorp Genetics (formerly Invitae), Labcorp); PubMed 18671281 (cited by Labcorp Genetics (formerly Invitae), Labcorp).

NM_025074.7(FRAS1):c.1931del (p.Gly644fs)

Gene: FRAS1 (Fraser extracellular matrix complex subunit 1; plus strand). Cytogenetic location: 4q21.21.
Variant type: Deletion.
Coding change: c.1931del on transcript NM_025074.7 (MANE Select); coding-DNA position 1931, one base deleted (G; older notation c.1931delG).
Protein change: p.Gly644fs; shifts the reading frame from glycine 644.
Molecular consequence: frameshift variant.
Genome position (GRCh38, 1-based): chr4:78,317,479, G deleted; the last of 3 consecutive G bases (chr4:78,317,477-78,317,479); deleting any one gives the same sequence. VCF-style (leftmost placement, unchanged base first): chr4-78317476-AG-A. GRCh37 (hg19) VCF-style: chr4-79238630-AG-A.
Other names: c.1931del, p.Gly644fs (NM_001166133.2); short protein forms G644fs.
Identifiers: ClinVar variation 194789 (VCV000194789.10), dbSNP rs794727195, ClinGen allele CA201353.